The following is an entry in ClinVar:

NM_012250.6(RRAS2):c.32G>A (p.Gly11Asp)

Genes: RRAS2 (RAS related 2; minus strand), LOC130005368 (ATAC-STARR-seq lymphoblastoid silent region 3172; plus strand). Cytogenetic location: 11p15.2.
Variant type: single nucleotide variant.
Coding change: c.32G>A on transcript NM_012250.6 (MANE Select); coding-DNA position 32, G replaced by A.
Protein change: p.Gly11Asp; replaces glycine 11 with aspartic acid.
Molecular consequence: missense variant. On other transcripts: intron variant (1).
Genome position (GRCh38, 1-based): chr11:14,358,839, C>T on the plus strand (G>A on the coding strand, the complement: RRAS2 is on the minus strand). VCF-style: chr11-14358839-C-T. GRCh37 (hg19) VCF-style: chr11-14380385-C-T.
Other names: c.3+5552G>A (NM_001177314.2); short protein forms G11D.
Identifiers: ClinVar variation 2630270 (VCV002630270.1), dbSNP rs2493951989, ClinGen allele CA379862877.

ClinVar aggregate classification (germline): Uncertain significance (1 of 4 stars; one submission).

Conditions:
RRAS2-related disorder. Also called: RRAS2-related condition.

Allele frequency attached by ClinVar (database versions not stated): gnomAD exomes below 0.00001.
gnomAD v4.1: 1 of 1,484,200 alleles (0.000067%); highest among the groups gnomAD compares: Non-Finnish European, 0.00009%; no homozygotes.

Submission:

PreventionGenetics, part of Exact Sciences
Classification: Uncertain significance for RRAS2-related condition. Last evaluated: 2023-02-16. Review status: criteria provided, single submitter. Criteria: ACMG Guidelines, 2015. Collection method: clinical testing. Allele origin: germline.
Comment: The RRAS2 c.32G>A variant is predicted to result in the amino acid substitution p.Gly11Asp. To our knowledge, this variant has not been reported in the literature or in a large population database, indicating this variant is rare. At this time, the clinical significance of this variant is uncertain due to the absence of conclusive functional and genetic evidence.